The following is an entry in ClinVar:

NM_001367721.1(CASK):c.1787G>A (p.Ser596Asn)

Gene: CASK (calcium/calmodulin dependent serine protein kinase; minus strand). Cytogenetic location: Xp11.4.
Variant type: single nucleotide variant.
Coding change: c.1787G>A on transcript NM_001367721.1 (MANE Select); coding-DNA position 1787, G replaced by A.
Protein change: p.Ser596Asn; replaces serine 596 with asparagine.
Molecular consequence: missense variant. On other transcripts: intron variant (2).
Genome position (GRCh38, 1-based): chrX:41,557,051, C>T on the plus strand (G>A on the coding strand, the complement: CASK is on the minus strand). VCF-style: chrX-41557051-C-T. GRCh37 (hg19) VCF-style: chrX-41416304-C-T.
Other names: c.1769G>A, p.Ser590Asn (NM_001410745.1); c.1787G>A, p.Ser596Asn (NM_003688.4); c.1720-1416G>A (NM_001126055.3); c.1738-1416G>A (NM_001126054.3); short protein forms S590N, S596N.
Identifiers: ClinVar variation 3772410 (VCV003772410.13).
Genomic context (GRCh38, chrX:41,557,051, plus strand): 5'-CAAAATTGTCACACTTTGCTGTGTGGAGCTAAAGTTCTTACCGAAACAGAATTGTTAGTG[C>T]TGCTATGACCATTAGCTGGGGACTGTCTGGAAGTGGAAGGGGAATCTCTCTGAAATAAGA-3'
Protein context (NP_001354650.1, residues 586-606): SRQSPANGHS[Ser596Asn]TNNSVSDLPS

ClinVar aggregate classification (germline): Uncertain significance (1 of 4 stars; one submission).

Submission:

CeGaT Center for Human Genetics Tuebingen
Classification: Uncertain significance. Last evaluated: 2025-02-01. Review status: criteria provided, single submitter. Criteria: CeGaT Center For Human Genetics Tuebingen Variant Classification Criteria Version 2. Collection method: clinical testing. Allele origin: germline. Affected: yes. Observed: 1 variant allele.
Comment: CASK: PM2